The following is an entry in ClinVar:

NM_001436401.1(NOBOX):c.94C>T (p.Arg32Trp)

Gene: NOBOX (NOBOX oogenesis homeobox; minus strand). Cytogenetic location: 7q35.
Variant type: single nucleotide variant.
Coding change: c.94C>T on transcript NM_001436401.1 (MANE Select); coding-DNA position 94, C replaced by T.
Protein change: p.Arg32Trp; replaces arginine 32 with tryptophan.
Molecular consequence: missense variant. On other transcripts: intron variant (1).
Genome position (GRCh38, 1-based): chr7:144,401,541, G>A on the plus strand (C>T on the coding strand, the complement: NOBOX is on the minus strand). VCF-style: chr7-144401541-G-A. GRCh37 (hg19) VCF-style: chr7-144098634-G-A.
Other names: R117W; NM_001080413.3:c.349C>T; c.38-1229C>T (NM_001436402.1); short protein forms R32W.
Identifiers: ClinVar variation 167875 (VCV000167875.18), dbSNP rs7800847, ClinGen allele CA180520.

ClinVar aggregate classification (germline): Benign/Likely benign. Review status: criteria provided, multiple submitters, no conflicts (2 of 4 stars). 9 submissions from 9 submitters: Benign (3); Likely benign (5). 1 of the submissions does not count toward it. Last evaluated 2025-08-18.

Conditions:
Premature ovarian failure 1 (POF1). Also called: FMR1 Primary Ovarian Insufficiency (FXPOI); HYPERGONADOTROPIC OVARIAN FAILURE, X-LINKED; PREMATURE OVARIAN FAILURE, X-LINKED; Fragile x premature ovarian failure; Primary ovarian insufficiency, fragile X-associated; FMR1-Related Primary Ovarian Insufficiency. Identifiers: Orphanet 642691, MedGen C4552079, MONDO:0010706, OMIM 311360.
Premature ovarian failure 5 (POF5). Identifiers: MedGen C1969060, MONDO:0012689, OMIM 611548.

Allele frequency attached by ClinVar (database versions not stated): ExAC 0.00680; gnomAD exomes 0.00687; ESP Exome Variant Server 0.01898; gnomAD 0.02229 and 0.02403; 1000 Genomes Project 0.02356; TOPMed 0.02475; 1000 Genomes Project 30x 0.02655.
gnomAD v4.1: 6,415 of 1,515,074 alleles (0.42%); highest among the groups gnomAD compares: African/African-American, 7.7%; 236 homozygotes.

Submissions (9):

Genomic Medicine Center of Excellence, King Faisal Specialist Hospital and Research Centre
Classification: Likely benign. Last evaluated: 2025-08-18. Review status: criteria provided, single submitter. Criteria: ACMG Guidelines, 2015. Collection method: clinical testing. Allele origin: germline.

Fulgent Genetics
Classification: Likely benign for Premature ovarian failure 5. Last evaluated: 2022-02-10. Review status: criteria provided, single submitter. Criteria: ACMG Guidelines, 2015. Collection method: clinical testing. Allele origin: unknown.

Labcorp Genetics (formerly Invitae), Labcorp
Classification: Benign. Last evaluated: 2019-12-31. Review status: criteria provided, single submitter. Criteria: Invitae Variant Classification Sherloc (09022015). Collection method: clinical testing. Allele origin: germline.

Mendelics
Classification: Benign for Premature ovarian failure 1. Last evaluated: 2019-05-28. Review status: criteria provided, single submitter. Criteria: Mendelics Assertion Criteria 2017. Collection method: clinical testing. Allele origin: unknown.

Eurofins Ntd Llc (ga)
Classification: Likely benign. Last evaluated: 2018-01-24. Review status: criteria provided, single submitter. Criteria: EGL Classification Definitions 2015. Collection method: clinical testing. Allele origin: germline. Observed: 1 variant allele, 1 heterozygote.

GeneDx
Classification: Benign. Last evaluated: 2017-06-05. Review status: criteria provided, single submitter. Criteria: GeneDx Variant Classification (06012015). Collection method: clinical testing. Allele origin: germline. Affected: yes.
Comment: This variant is considered likely benign or benign based on one or more of the following criteria: it is a conservative change, it occurs at a poorly conserved position in the protein, it is predicted to be benign by multiple in silico algorithms, and/or has population frequency not consistent with disease.

Illumina Laboratory Services, Illumina
Classification: Likely benign for Premature ovarian failure 5. Last evaluated: 2017-04-27. Review status: criteria provided, single submitter. Criteria: ICSL Variant Classification Criteria 13 December 2019. Collection method: clinical testing. Allele origin: germline.
Comment: This variant was observed as part of a predisposition screen in an ostensibly healthy population. A literature search was performed for the gene, cDNA change, and amino acid change (where applicable). Publications were found based on this search. The evidence from the literature, in combination with allele frequency data from public databases where available, was sufficient to determine this variant is unlikely to cause disease. Therefore, this variant is classified as likely benign.

Breakthrough Genomics
Classification: Likely benign. Review status: criteria provided, single submitter. Criteria: ACMG Guidelines, 2015. Collection method: not provided. Allele origin: germline. Inheritance: Autosomal dominant inheritance. Affected: yes.

OMIM
Classification: Pathogenic for PREMATURE OVARIAN FAILURE 5. Last evaluated: 2011-10-01. Review status: no assertion criteria provided. Collection method: literature only. Allele origin: germline. Not counted in ClinVar's aggregate classification.

Literature cited by the submitters: PubMed 25514101 (cited by Illumina Laboratory Services, Illumina); PubMed 21837770 (cited by Illumina Laboratory Services, Illumina and OMIM); PubMed 26848058 (cited by Illumina Laboratory Services, Illumina); PubMed 25960166 (cited by Illumina Laboratory Services, Illumina); PubMed 24103315 (cited by Illumina Laboratory Services, Illumina).